The following is an entry in ClinVar:

NM_001034853.2(RPGR):c.2144_2145insCTGAG (p.Arg715delinsSerTer)

Gene: RPGR (retinitis pigmentosa GTPase regulator; minus strand). Cytogenetic location: Xp11.4.
Variant type: Insertion.
Coding change: c.2144_2145insCTGAG on transcript NM_001034853.2 (MANE Select); coding-DNA positions 2144 to 2145, CTGAG inserted.
Protein change: p.Arg715delinsSerTer.
Molecular consequence: nonsense. On other transcripts: intron variant (8).
Genome position: GRCh38 VCF-style: chrX-38286854-C-CCTCAG. GRCh37 (hg19) VCF-style: chrX-38146107-C-CCTCAG.
Other names: NM_001034853.2:c.2144_2145insCTGAG; c.1569+4104_1569+4105insGAGCT (NM_001367249.1, NM_001367250.1); c.1902+239_1902+240insGAGCT (NM_001367245.1); c.1386+4104_1386+4105insGAGCT (NM_001367251.1); c.1719+239_1719+240insGAGCT (NM_001367246.1); c.1572+4104_1572+4105insGAGCT (NM_001367247.1); c.1905+239_1905+240insGAGCT (NM_000328.3); c.1602+4104_1602+4105insGAGCT (NM_001367248.1).
Identifiers: ClinVar variation 4072390 (VCV004072390.1).

ClinVar aggregate classification (germline): Pathogenic (3 of 4 stars; one submission).

Conditions:
RPGR-related retinopathy. Also called: RPGR retinopathy. Identifiers: MedGen CN305589, MONDO:0100437.

Submission:

ClinGen X-linked Inherited Retinal Disease Variant Curation Expert Panel, ClinGen
Classification: Pathogenic for RPGR-related retinopathy. Last evaluated: 2025-08-04. Review status: reviewed by expert panel. Criteria: ClinGen X LinkedIRD ACMG Specifications RPGR V1.0.0. Collection method: curation. Allele origin: germline. Inheritance: X-linked inheritance.
Comment: NM_001034853.2(RPGR):c.2144_2145insCTGAG (p.Arg715SerfsTer2) is a frameshift variant due to a 5-nucleotide insertion that introduces a premature stop codon within exon 15 of 15 after 2 amino acids that is predicted to disrupt a critical C-terminal region required for proper glutamylation of RPGR (PVS1, PMID: 36445968). This variant is absent from gnomAD v4.1.0 (PM2_Supporting). At least one proband harboring this variant exhibits a phenotype including presentation with night blindness (0.5 pts) with onset at age 10 years (1 pt), reduced visual acuity (0.5 pts), diminished electroretinogram responses from rods, fundus appearance showing widespread retinal pigment epithelium degeneration with pigment deposits (0.5 pts), optic disc pallor (0.5 pts), cataract, severe macular degeneration, artery attenuation, and genotyping by next-generation sequencing with a 483-gene panel showing no alternative basis for inherited retinal disease (2 pts), which together are specific for RPGR-related retinopathy (5 points, PMID: 36276946, PP4). In summary, this variant is classified as pathogenic for RPGR-related retinopathy based on the ClinGen X-linked Inherited Retinal Disease Expert Panel Specifications to the ACMG/AMP Variant Interpretation Guidelines for RPGR Version 1.0.0; PVS1, PM2_Supporting, and PP4. (date of approval 05/16/2025).